The following is an entry in ClinVar:

ClinVar aggregate classification (germline): Likely pathogenic (1 of 4 stars; one submission).

Conditions:
Cardiovascular phenotype. Identifiers: MedGen CN230736.

Submission:

Ambry Genetics
Classification: Likely pathogenic for Cardiovascular phenotype. Last evaluated: 2025-12-15. Review status: criteria provided, single submitter. Criteria: Ambry Variant Classification Scheme 2023. Collection method: clinical testing. Allele origin: germline.
Comment: The c.929-2A>C intronic variant results from an A to C substitution two nucleotides upstream from coding exon 8 in the LAMP2 gene. This alteration occurs at the 3' terminus of the gene, is not expected to trigger nonsense-mediated mRNA decay, and only impacts the last 25% of the protein. The exact functional effect of this alteration is unknown; however, the region predicted to be impacted is critical for protein function (Ambry internal data), and a significant portion of the protein is affected (Ambry internal data). This variant is considered to be rare based on population cohorts in the Genome Aggregation Database (gnomAD). This nucleotide position is well conserved in available vertebrate species. In silico splice site analysis predicts that this alteration will weaken the native splice acceptor site and will result in the creation or strengthening of a novel splice acceptor site. Based on the majority of available evidence to date, this variant is likely to be pathogenic.

NM_002294.3(LAMP2):c.929-2A>C

Gene: LAMP2 (lysosome associated membrane protein 2; minus strand). Cytogenetic location: Xq24.
Variant type: single nucleotide variant.
Coding change: c.929-2A>C on transcript NM_002294.3 (MANE Select); the canonical splice acceptor site of the intron before coding-DNA position 929, A replaced by C.
Molecular consequence: splice acceptor variant.
Genome position (GRCh38, 1-based): chrX:120,441,896, T>G on the plus strand (A>C on the coding strand, the complement: LAMP2 is on the minus strand). VCF-style: chrX-120441896-T-G. GRCh37 (hg19) VCF-style: chrX-119575751-T-G.
Other names: c.929-2A>C (NM_001122606.1, NM_013995.2).
Identifiers: ClinVar variation 4842499 (VCV004842499.1).